The following is an entry in ClinVar:

NM_183357.3(ADCY5):c.327C>G (p.Asp109Glu)

Gene: ADCY5 (adenylate cyclase 5; minus strand). Cytogenetic location: 3q21.1.
Variant type: single nucleotide variant.
Coding change: c.327C>G on transcript NM_183357.3 (MANE Select); coding-DNA position 327, C replaced by G.
Protein change: p.Asp109Glu; replaces aspartic acid 109 with glutamic acid.
Molecular consequence: missense variant.
Genome position (GRCh38, 1-based): chr3:123,448,219, G>C on the plus strand (C>G on the coding strand, the complement: ADCY5 is on the minus strand). VCF-style: chr3-123448219-G-C. GRCh37 (hg19) VCF-style: chr3-123167066-G-C.
Other names: c.327C>G, p.Asp109Glu (NM_001378259.1); short protein forms D109E.
Identifiers: ClinVar variation 3697902 (VCV003697902.2).
Genomic context (GRCh38, chr3:123,448,219, plus strand): 5'-CCGGGTGCTGCCCCCGCTGGCCGCGCCCCGCCGCTGCCGGCGGCTGCCGCGACCGCAGTC[G>C]TCGCCGCCGCGCTCCTGCCAGGCGGACTTGGAGCGGAAGCTGAAGCCGAAGCCCCCGGCC-3'
Protein context (NP_899200.1, residues 99-119): SKSAWQERGG[Asp109Glu]DCGRGSRRQR

ClinVar aggregate classification (germline): Uncertain significance (1 of 4 stars; one submission).

Submission:

Labcorp Genetics (formerly Invitae), Labcorp
Classification: Uncertain significance. Last evaluated: 2024-07-24. Review status: criteria provided, single submitter. Criteria: Invitae Variant Classification Sherloc (09022015). Collection method: clinical testing. Allele origin: germline.
Comment: This sequence change replaces aspartic acid, which is acidic and polar, with glutamic acid, which is acidic and polar, at codon 109 of the ADCY5 protein (p.Asp109Glu). This variant is not present in population databases (gnomAD no frequency). This variant has not been reported in the literature in individuals affected with ADCY5-related conditions. Advanced modeling of protein sequence and biophysical properties (such as structural, functional, and spatial information, amino acid conservation, physicochemical variation, residue mobility, and thermodynamic stability) performed at Invitae indicates that this missense variant is not expected to disrupt ADCY5 protein function with a negative predictive value of 95%. In summary, the available evidence is currently insufficient to determine the role of this variant in disease. Therefore, it has been classified as a Variant of Uncertain Significance.